The following is an entry in ClinVar:

NM_001101426.4(CRPPA):c.685-25GTT[6]

Gene: CRPPA (CDP-L-ribitol pyrophosphorylase A; minus strand). Cytogenetic location: 7p21.2.
Variant type: Microsatellite.
Coding change: c.685-25GTT[6] on transcript NM_001101426.4 (MANE Select); six copies in a row of the 3-base unit GTT starting at c.685-25; the reference has five copies in a row; one copy, 3 bases duplicated.
Molecular consequence: intron variant.
Genome position (GRCh38, 1-based): chr7:16,308,638-16,308,640, AAC duplicated on the plus strand (GTT on the coding strand, the reverse complement: CRPPA is on the minus strand); duplicating any 3 consecutive bases within chr7:16,308,638-16,308,654 gives the same sequence; the position shown is the placement nearest the transcript's 3' end. VCF-style (leftmost placement, unchanged base first): chr7-16308637-A-AAAC. GRCh37 (hg19) VCF-style: chr7-16348262-A-AAAC.
Other names: p.?; c.535-25GTT[6] (NM_001101417.4); c.685-7186GTT[6] (NM_001368197.1); c.685-13_685-11dupGTT (NM_001101426.3); c.685-13_685-11dup (NM_001101426.4).
Identifiers: ClinVar variation 226676 (VCV000226676.28), dbSNP rs142647500, ClinGen allele CA202732.

ClinVar aggregate classification (germline): Benign. Review status: criteria provided, multiple submitters, no conflicts (2 of 4 stars). 10 submissions from 10 submitters: Benign (7). 3 of the submissions do not count toward it. Last evaluated 2026-02-01.

Conditions:
Autosomal recessive limb-girdle muscular dystrophy type 2U. Also called: MUSCULAR DYSTROPHY, LIMB-GIRDLE, TYPE 2U; Muscular dystrophy-dystroglycanopathy (limb-girdle), type c, 7. Identifiers: Orphanet 352479, MedGen C5190987, MONDO:0014474, OMIM 616052.
Muscular dystrophy-dystroglycanopathy (congenital with brain and eye anomalies), type A, 7. Also called: WALKER-WARBURG SYNDROME OR MUSCLE-EYE-BRAIN DISEASE, ISPD-RELATED; Congenital muscular dystrophy-dystroglycanopathy with brain and eye anomalies, type A7. Identifiers: Orphanet 899, MedGen C3553330, MONDO:0013835, OMIM 614643.

Submissions (10):

Labcorp Genetics (formerly Invitae), Labcorp
Classification: Benign for Muscular dystrophy-dystroglycanopathy (congenital with brain and eye anomalies), type A, 7; Autosomal recessive limb-girdle muscular dystrophy type 2U. Last evaluated: 2026-02-01. Review status: criteria provided, single submitter. Criteria: Invitae Variant Classification Sherloc (09022015). Collection method: clinical testing. Allele origin: germline.

Athena Diagnostics
Classification: Benign. Last evaluated: 2023-11-01. Review status: criteria provided, single submitter. Criteria: Athena Diagnostics Criteria. Collection method: clinical testing. Allele origin: unknown.

Mayo Clinic Laboratories, Mayo Clinic
Classification: Benign. Last evaluated: 2018-10-02. Review status: criteria provided, single submitter. Criteria: ACMG Guidelines, 2015. Collection method: clinical testing. Allele origin: germline. Observed: 55 variant alleles.

GeneDx
Classification: Benign. Last evaluated: 2018-06-08. Review status: criteria provided, single submitter. Criteria: GeneDx Variant Classification Process June 2021. Collection method: clinical testing. Allele origin: germline. Affected: yes.

PreventionGenetics, part of Exact Sciences
Classification: Benign. Last evaluated: 2016-02-09. Review status: criteria provided, single submitter. Criteria: ACMG Guidelines, 2015. Collection method: clinical testing. Allele origin: germline.

Laboratory for Molecular Medicine, Mass General Brigham Personalized Medicine
Classification: Benign. Last evaluated: 2015-06-25. Review status: criteria provided, single submitter. Criteria: LMM Criteria. Collection method: clinical testing. Allele origin: germline. Observed: 2 variant alleles.
Comment: c.685-13_685-11dup in intron 3 of ISPD: This variant is not expected to have cli nical significance because it has been identified in 17.2% (896/5208) of East As ian chromosomes by the Exome Aggregation Consortium (ExAC; dbSNP rs142647500).

Eurofins Ntd Llc (ga)
Classification: Benign. Last evaluated: 2014-10-10. Review status: criteria provided, single submitter. Criteria: EGL Classification Definitions. Collection method: clinical testing. Allele origin: germline. Observed: 4 variant alleles, 3 heterozygotes, 1 hemizygote.

Clinical Genetics DNA and cytogenetics Diagnostics Lab, Erasmus MC, Erasmus Medical Center
Classification: Benign. Review status: no assertion criteria provided. Collection method: clinical testing. Allele origin: germline. Affected: yes. Study: VKGL Data-share Consensus. Not counted in ClinVar's aggregate classification.

Clinical Genetics, Academic Medical Center
Classification: Benign. Review status: no assertion criteria provided. Collection method: clinical testing. Allele origin: germline. Affected: yes. Study: VKGL Data-share Consensus. Not counted in ClinVar's aggregate classification.

Laboratory of Diagnostic Genome Analysis, Leiden University Medical Center (LUMC)
Classification: Likely benign. Review status: no assertion criteria provided. Collection method: clinical testing. Allele origin: germline. Affected: yes. Study: VKGL Data-share Consensus. Not counted in ClinVar's aggregate classification.